The following is an entry in ClinVar:

NM_018652.5(GOLGA6B):c.1728G>A (p.Gly576=)

Gene: GOLGA6B (golgin A6 family member B; plus strand). Cytogenetic location: 15q24.1.
Variant type: single nucleotide variant.
Coding change: c.1728G>A on transcript NM_018652.5 (MANE Select); coding-DNA position 1728, G replaced by A.
Protein change: p.Gly576=; no amino-acid change (glycine 576 retained).
Molecular consequence: synonymous variant.
Genome position (GRCh38, 1-based): chr15:72,665,813, G>A. VCF-style: chr15-72665813-G-A. GRCh37 (hg19) VCF-style: chr15-72958154-G-A.
Identifiers: ClinVar variation 3388011 (VCV003388011.14).

ClinVar aggregate classification (germline): Likely benign (1 of 4 stars; one submission).

Submission:

CeGaT Center for Human Genetics Tuebingen
Classification: Likely benign. Last evaluated: 2024-11-01. Review status: criteria provided, single submitter. Criteria: CeGaT Center For Human Genetics Tuebingen Variant Classification Criteria Version 2. Collection method: clinical testing. Allele origin: germline. Affected: yes. Observed: 1 variant allele.
Comment: GOLGA6B: BP4, BP7